The following is an entry in ClinVar:

ClinVar aggregate classification (germline): Benign (1 of 4 stars; one submission).

Conditions:
Frank-Ter Haar syndrome. Also called: BORRONE DERMATOCARDIOSKELETAL SYNDROME; TER HAAR SYNDROME; MELNICK-NEEDLES SYNDROME, AUTOSOMAL RECESSIVE; Borrone di Rocco Crovato syndrome. Identifiers: Orphanet 1266, Orphanet 137834, MedGen C1855305, MONDO:0009579, OMIM 249420.

Allele frequency attached by ClinVar (database versions not stated): gnomAD exomes 0.00049; 1000 Genomes Project 0.00579; 1000 Genomes Project 30x 0.00609; gnomAD 0.00679 and 0.00728; TOPMed 0.00743.

Submission:

Illumina Laboratory Services, Illumina
Classification: Benign for Frank-Ter Haar syndrome. Last evaluated: 2018-01-12. Review status: criteria provided, single submitter. Criteria: ICSL Variant Classification Criteria 13 December 2019. Collection method: clinical testing. Allele origin: germline.
Comment: This variant was observed in the ICSL laboratory as part of a predisposition screen in an ostensibly healthy population. It had not been previously curated by ICSL or reported in the Human Gene Mutation Database (HGMD: prior to June 1st, 2018), and was therefore a candidate for classification through an automated scoring system. Utilizing variant allele frequency, disease prevalence and penetrance estimates, and inheritance mode, an automated score was calculated to assess if this variant is too frequent to cause the disease. Based on the score and internal cut-off values, a variant classified as benign is not then subjected to further curation. The score for this variant resulted in a classification of benign for this disease.

NM_001017995.3(SH3PXD2B):c.*3119T>C

Gene: SH3PXD2B (SH3 and PX domains 2B; minus strand). Cytogenetic location: 5q35.1.
Variant type: single nucleotide variant.
Coding change: c.*3119T>C on transcript NM_001017995.3 (MANE Select); 3119 bases downstream of the stop codon, T replaced by C.
Molecular consequence: 3 prime UTR variant. On other transcripts: intron variant (1).
Genome position (GRCh38, 1-based): chr5:172,335,250, A>G on the plus strand (T>C on the coding strand, the complement: SH3PXD2B is on the minus strand). VCF-style: chr5-172335250-A-G. GRCh37 (hg19) VCF-style: chr5-171762254-A-G.
Other names: c.1189-9870T>C (NM_001308175.2).
Identifiers: ClinVar variation 352749 (VCV000352749.5), dbSNP rs142919253, ClinGen allele CA10624129.